The following is an entry in ClinVar:

NM_000051.4(ATM):c.420T>G (p.Asp140Glu)

Gene: ATM (ATM serine/threonine kinase; plus strand). Cytogenetic location: 11q22.3.
Variant type: single nucleotide variant.
Coding change: c.420T>G on transcript NM_000051.4 (MANE Select); coding-DNA position 420, T replaced by G.
Protein change: p.Asp140Glu; replaces aspartic acid 140 with glutamic acid.
Molecular consequence: missense variant.
Genome position (GRCh38, 1-based): chr11:108,235,758, T>G. VCF-style: chr11-108235758-T-G. GRCh37 (hg19) VCF-style: chr11-108106485-T-G.
Other names: c.420T>G, p.Asp140Glu (NM_001351834.2); short protein forms D140E.
Identifiers: ClinVar variation 4747158 (VCV004747158.1).

ClinVar aggregate classification (germline): Uncertain significance (1 of 4 stars; one submission).

Conditions:
Ataxia-telangiectasia syndrome (AT). Also called: Ataxia-telangiectasia, complementation group D; AT, COMPLEMENTATION GROUP C; Ataxia-telangiectasia; Ataxia telangiectasia (A-T); LOUIS-BAR SYNDROME; Cerebello-oculocutaneous telangiectasia. Identifiers: Orphanet 100, MedGen C0004135, MONDO:0008840, OMIM 208900.

Submission:

Labcorp Genetics (formerly Invitae), Labcorp
Classification: Uncertain significance for Ataxia-telangiectasia syndrome. Last evaluated: 2025-08-31. Review status: criteria provided, single submitter. Criteria: Invitae Variant Classification Sherloc (09022015). Collection method: clinical testing. Allele origin: germline.
Comment: This sequence change replaces aspartic acid, which is acidic and polar, with glutamic acid, which is acidic and polar, at codon 140 of the ATM protein (p.Asp140Glu). This variant is not present in population databases (gnomAD no frequency). This variant has not been reported in the literature in individuals affected with ATM-related conditions. Invitae Evidence Modeling of protein sequence and biophysical properties (such as structural, functional, and spatial information, amino acid conservation, physicochemical variation, residue mobility, and thermodynamic stability) indicates that this missense variant is not expected to disrupt ATM protein function with a negative predictive value of 95%. In summary, the available evidence is currently insufficient to determine the role of this variant in disease. Therefore, it has been classified as a Variant of Uncertain Significance.